The following is an entry in ClinVar:

NM_006231.4(POLE):c.2279C>A (p.Ala760Asp)

Gene: POLE (DNA polymerase epsilon, catalytic subunit; minus strand). Cytogenetic location: 12q24.33.
Variant type: single nucleotide variant.
Coding change: c.2279C>A on transcript NM_006231.4 (MANE Select); coding-DNA position 2279, C replaced by A.
Protein change: p.Ala760Asp; replaces alanine 760 with aspartic acid.
Molecular consequence: missense variant.
Genome position (GRCh38, 1-based): chr12:132,667,543, G>T on the plus strand (C>A on the coding strand, the complement: POLE is on the minus strand). VCF-style: chr12-132667543-G-T. GRCh37 (hg19) VCF-style: chr12-133244129-G-T.
Other names: short protein forms A760D.
Identifiers: ClinVar variation 3935753 (VCV003935753.2).

ClinVar aggregate classification (germline): Uncertain significance. Review status: criteria provided, multiple submitters, no conflicts (2 of 4 stars). 2 submissions from 2 submitters: Uncertain significance (2). Last evaluated 2025-09-03.

Conditions:
Hereditary cancer-predisposing syndrome. Also called: Tumor predisposition; Hereditary neoplastic syndrome; Hereditary Cancer Syndrome; Neoplastic Syndromes, Hereditary. Identifiers: Orphanet 140162, MedGen C0027672, MeSH D009386, MONDO:0015356.

Submissions (2):

Labcorp Genetics (formerly Invitae), Labcorp
Classification: Uncertain significance. Last evaluated: 2025-09-03. Review status: criteria provided, single submitter. Criteria: Invitae Variant Classification Sherloc (09022015). Collection method: clinical testing. Allele origin: germline.
Comment: This sequence change replaces alanine, which is neutral and non-polar, with aspartic acid, which is acidic and polar, at codon 760 of the POLE protein (p.Ala760Asp). This variant is not present in population databases (gnomAD no frequency). This variant has not been reported in the literature in individuals affected with POLE-related conditions. ClinVar contains an entry for this variant (Variation ID: 3935753). Invitae Evidence Modeling of protein sequence and biophysical properties (such as structural, functional, and spatial information, amino acid conservation, physicochemical variation, residue mobility, and thermodynamic stability) indicates that this missense variant is not expected to disrupt POLE protein function with a negative predictive value of 80%. In summary, the available evidence is currently insufficient to determine the role of this variant in disease. Therefore, it has been classified as a Variant of Uncertain Significance.

Ambry Genetics
Classification: Uncertain significance for Hereditary cancer-predisposing syndrome. Last evaluated: 2025-05-02. Review status: criteria provided, single submitter. Criteria: Ambry Variant Classification Scheme 2023. Collection method: clinical testing. Allele origin: germline.
Comment: The p.A760D variant (also known as c.2279C>A), located in coding exon 20 of the POLE gene, results from a C to A substitution at nucleotide position 2279. The alanine at codon 760 is replaced by aspartic acid, an amino acid with dissimilar properties. This amino acid position is conserved. In addition, the in silico prediction for this alteration is inconclusive. Based on the available evidence, the clinical significance of this variant remains unclear.